The following is an entry in ClinVar:

NM_001034853.2(RPGR):c.2706G>A (p.Gly902=)

Gene: RPGR (retinitis pigmentosa GTPase regulator; minus strand). Cytogenetic location: Xp11.4.
Variant type: single nucleotide variant.
Coding change: c.2706G>A on transcript NM_001034853.2 (MANE Select); coding-DNA position 2706, G replaced by A.
Protein change: p.Gly902=; no amino-acid change (glycine 902 retained).
Molecular consequence: synonymous variant. On other transcripts: intron variant (8).
Genome position (GRCh38, 1-based): chrX:38,286,293, C>T on the plus strand (G>A on the coding strand, the complement: RPGR is on the minus strand). VCF-style: chrX-38286293-C-T. GRCh37 (hg19) VCF-style: chrX-38145546-C-T.
Other names: c.1569+4666G>A (NM_001367249.1, NM_001367250.1); c.1902+801G>A (NM_001367245.1); c.1386+4666G>A (NM_001367251.1); c.1719+801G>A (NM_001367246.1); c.1572+4666G>A (NM_001367247.1); c.1905+801G>A (NM_000328.3); c.1602+4666G>A (NM_001367248.1).
Identifiers: ClinVar variation 2660293 (VCV002660293.24), dbSNP rs2067160452, ClinGen allele CA515708812.
Genomic context (GRCh38, chrX:38,286,293, plus strand): 5'-CTCCCCTTTCCCTTCTCCTTCCTCCTCTTCTCCCTCCCCTTCTCCTTCCTCTTCTCCCTC[C>T]CCTTCTCCTTCCTCCTCTTCTCCCTCCCCTTCTCCTTCCTCTTCTCCCTCCCCTTCTCCT-3'
Protein context (NP_001030025.1, residues 892-912): EGEGEEEEGE[Gly902=]EGEEEGEGEG

ClinVar aggregate classification (germline): Likely benign (1 of 4 stars; one submission).

Submission:

CeGaT Center for Human Genetics Tuebingen
Classification: Likely benign. Last evaluated: 2022-12-01. Review status: criteria provided, single submitter. Criteria: CeGaT Center For Human Genetics Tuebingen Variant Classification Criteria Version 2. Collection method: clinical testing. Allele origin: germline. Affected: yes. Observed: 1 variant allele.
Comment: RPGR: BP4, BP7